The following is an entry in ClinVar:

NM_017934.7(PHIP):c.4972A>G (p.Lys1658Glu)

Genes: IRAK1BP1 (interleukin 1 receptor associated kinase 1 binding protein 1; plus strand), PHIP (PHIP subunit of CUL4-Ring ligase complex; minus strand). Cytogenetic location: 6q14.1.
Variant type: single nucleotide variant.
Coding change: c.4972A>G on transcript NM_017934.7 (MANE Select); coding-DNA position 4972, A replaced by G.
Protein change: p.Lys1658Glu; replaces lysine 1658 with glutamic acid.
Molecular consequence: missense variant.
Genome position (GRCh38, 1-based): chr6:78,941,187, T>C on the plus strand (A>G on the coding strand, the complement: PHIP is on the minus strand). VCF-style: chr6-78941187-T-C. GRCh37 (hg19) VCF-style: chr6-79650904-T-C.
Other names: short protein forms K1658E.
Identifiers: ClinVar variation 3899088 (VCV003899088.1).

ClinVar aggregate classification (germline): Uncertain significance (1 of 4 stars; one submission).

Submission:

GeneDx
Classification: Uncertain significance. Last evaluated: 2024-11-08. Review status: criteria provided, single submitter. Criteria: GeneDx Variant Classification Process June 2021. Collection method: clinical testing. Allele origin: germline. Affected: yes.
Comment: Not observed at significant frequency in large population cohorts (gnomAD); In silico analysis indicates that this missense variant does not alter protein structure/function; Has not been previously published as pathogenic or benign to our knowledge